The following is an entry in ClinVar:

ClinVar aggregate classification (germline): Uncertain significance (1 of 4 stars; one submission).

Submission:

Labcorp Genetics (formerly Invitae), Labcorp
Classification: Uncertain significance. Last evaluated: 2022-03-12. Review status: criteria provided, single submitter. Criteria: Invitae Variant Classification Sherloc (09022015). Collection method: clinical testing. Allele origin: germline.
Comment: Experimental studies and prediction algorithms are not available or were not evaluated, and the functional significance of this variant is currently unknown. This variant has not been reported in the literature in individuals affected with CSGALNACT1-related conditions. This variant is present in population databases (no rsID available, gnomAD 0.003%). This variant, c.923_925del, results in the deletion of 1 amino acid(s) of the CSGALNACT1 protein (p.Glu308del), but otherwise preserves the integrity of the reading frame. In summary, the available evidence is currently insufficient to determine the role of this variant in disease. Therefore, it has been classified as a Variant of Uncertain Significance.

NM_001354483.2(CSGALNACT1):c.923_925del (p.Glu308del)

Gene: CSGALNACT1 (chondroitin sulfate N-acetylgalactosaminyltransferase 1; minus strand). Cytogenetic location: 8p21.3.
Variant type: Deletion.
Coding change: c.923_925del on transcript NM_001354483.2 (MANE Select); coding-DNA positions 923 to 925, 3 bases deleted (AAG; older notation c.923_925delAAG).
Protein change: p.Glu308del; deletes glutamic acid 308.
Molecular consequence: inframe deletion. On other transcripts: non-coding transcript variant (7).
Genome position (GRCh38, 1-based): chr8:19,439,858-19,439,860, CTT deleted on the plus strand (AAG on the coding strand, the reverse complement: CSGALNACT1 is on the minus strand); deleting any 3 consecutive bases within chr8:19,439,858-19,439,861 gives the same sequence; the c. name uses the placement nearest the transcript's 3' end. VCF-style (leftmost placement, unchanged base first): chr8-19439857-ACTT-A. GRCh37 (hg19) VCF-style: chr8-19297368-ACTT-A.
Other names: c.923_925del, p.Glu308del (NM_001130518.2, NM_001354475.2, NM_001354476.2 and 18 more transcripts); short protein forms E308del.
Identifiers: ClinVar variation 1948370 (VCV001948370.3), dbSNP rs1007189757, ClinGen allele CA173286266.